The following is an entry in ClinVar:

NM_033305.3(VPS13A):c.7772_7775dup (p.Asp2592fs)

Gene: VPS13A (vacuolar protein sorting 13 homolog A; plus strand). Cytogenetic location: 9q21.2.
Variant type: Duplication.
Coding change: c.7772_7775dup on transcript NM_033305.3 (MANE Select); coding-DNA positions 7772 to 7775, 4 bases duplicated (AAGA; older notation c.7772_7775dupAAGA).
Protein change: p.Asp2592fs; shifts the reading frame from aspartic acid 2592.
Molecular consequence: frameshift variant.
Genome position (GRCh38, 1-based): chr9:77,356,833-77,356,836, AAGA duplicated. VCF-style (leftmost placement, unchanged base first): chr9-77356832-G-GAAGA. GRCh37 (hg19) VCF-style: chr9-79971748-G-GAAGA.
Other names: c.7655_7658dup, p.Asp2553fs (NM_001018037.2); c.7772_7775dup, p.Asp2592fs (NM_001018038.3, NM_015186.4); short protein forms D2553fs, D2592fs.
Identifiers: ClinVar variation 5014935 (VCV005014935.1).

ClinVar aggregate classification (germline): Pathogenic (1 of 4 stars; one submission).

Conditions:
VPS13A-related neurodegenerative disease. Also called: ACANTHOCYTOSIS WITH NEUROLOGIC DISORDER; LEVINE-CRITCHLEY SYNDROME; Choreoacanthocytosis; Chorea-acanthocytosis; Choreaacanthocytosis; VPS13A Disease. Identifiers: Orphanet 2388, MedGen C0393576, MONDO:0008695, OMIM 200150.

Submission:

Myriad Genetics, Inc.
Classification: Pathogenic for VPS13A-related neurodegenerative disease. Last evaluated: 2025-09-03. Review status: criteria provided, single submitter. Criteria: Myriad Autosomal Dominant, Autosomal Recessive and X-Linked Classification Criteria (2023). Collection method: clinical testing. Allele origin: unknown.
Comment: NM_033305.2(VPS13A):c.7772_7775dupAAGA(D2592Efs*3) is expected to be pathogenic in the context of VPS13A disease. This variant is predicted to lead to an abnormal or absent protein product due to the creation of a premature termination codon in VPS13A, a gene where loss-of-function variants are known to be pathogenic. Please note: this variant was assessed in the context of healthy population screening.